The following is an entry in ClinVar:

NM_144997.7(FLCN):c.657T>C (p.Ala219=)

Gene: FLCN (folliculin; minus strand). Cytogenetic location: 17p11.2.
Variant type: single nucleotide variant.
Coding change: c.657T>C on transcript NM_144997.7 (MANE Select); coding-DNA position 657, T replaced by C.
Protein change: p.Ala219=; no amino-acid change (alanine 219 retained).
Molecular consequence: synonymous variant.
Genome position (GRCh38, 1-based): chr17:17,222,623, A>G on the plus strand (T>C on the coding strand, the complement: FLCN is on the minus strand). VCF-style: chr17-17222623-A-G. GRCh37 (hg19) VCF-style: chr17-17125937-A-G.
Other names: c.657T>C (NM_144997.5); c.711T>C, p.Ala237= (NM_001353229.2); c.657T>C, p.Ala219= (NM_001353230.2, NM_001353231.2, NM_144606.7).
Identifiers: ClinVar variation 1640764 (VCV001640764.10), dbSNP rs2144951281, ClinGen allele CA498164771.

ClinVar aggregate classification (germline): Benign/Likely benign. Review status: criteria provided, multiple submitters, no conflicts (2 of 4 stars). 3 submissions from 3 submitters: Benign (1); Likely benign (2). Last evaluated 2024-10-23.

Conditions:
Birt-Hogg-Dube syndrome 1 (BHD1). Also called: FIBROFOLLICULOMAS WITH TRICHODISCOMAS AND ACROCHORDONS. Identifiers: Orphanet 122, MedGen CN375946, MONDO:0800445, OMIM 135150.
Hereditary cancer-predisposing syndrome. Also called: Tumor predisposition; Hereditary neoplastic syndrome; Neoplastic Syndromes, Hereditary; Hereditary Cancer Syndrome. Identifiers: Orphanet 140162, MedGen C0027672, MeSH D009386, MONDO:0015356.
Birt-Hogg-Dube syndrome. Also called: Birt Hogg Dubé syndrome. Identifiers: Orphanet 122, MedGen C0346010, MONDO:0800444.

Submissions (3):

Myriad Genetics, Inc.
Classification: Benign for Birt-Hogg-Dube syndrome 1. Last evaluated: 2024-10-23. Review status: criteria provided, single submitter. Criteria: Myriad Autosomal Dominant, Autosomal Recessive and X-Linked Classification Criteria (2023). Collection method: clinical testing. Allele origin: unknown.
Comment: This variant is considered benign. This variant is a silent/synonymous amino acid change and it is not expected to impact splicing.

Ambry Genetics
Classification: Likely benign for Hereditary cancer-predisposing syndrome. Last evaluated: 2023-12-31. Review status: criteria provided, single submitter. Criteria: Ambry Variant Classification Scheme 2023. Collection method: clinical testing. Allele origin: germline.

Labcorp Genetics (formerly Invitae), Labcorp
Classification: Likely benign for Birt-Hogg-Dube syndrome. Last evaluated: 2021-03-22. Review status: criteria provided, single submitter. Criteria: Invitae Variant Classification Sherloc (09022015). Collection method: clinical testing. Allele origin: germline.